The following is an entry in ClinVar:

NM_000111.3(SLC26A3):c.1674del (p.Asp558fs)

Gene: SLC26A3 (solute carrier family 26 member 3; minus strand). Cytogenetic location: 7q22.3.
Variant type: Deletion.
Coding change: c.1674del on transcript NM_000111.3 (MANE Select); coding-DNA position 1674, one base deleted (T; older notation c.1674delT).
Protein change: p.Asp558fs; shifts the reading frame from aspartic acid 558.
Molecular consequence: frameshift variant.
Genome position (GRCh38, 1-based): chr7:107,776,455, A deleted on the plus strand (T on the coding strand, the reverse complement: SLC26A3 is on the minus strand). VCF-style (leftmost placement, unchanged base first): chr7-107776454-CA-C. GRCh37 (hg19) VCF-style: chr7-107416899-CA-C.
Other names: short protein forms D558fs.
Identifiers: ClinVar variation 2835412 (VCV002835412.4), dbSNP rs2535456378, ClinGen allele CA2684473538.

ClinVar aggregate classification (germline): Pathogenic/Likely pathogenic. Review status: criteria provided, multiple submitters, no conflicts (2 of 4 stars). 2 submissions from 2 submitters: Pathogenic (1); Likely pathogenic (1). Last evaluated 2024-04-02.

Conditions:
Congenital secretory diarrhea, chloride type (DIAR1). Also called: CHLORIDE DIARRHEA, CONGENITAL, FINNISH TYPE; DIARRHEA 1, SECRETORY CHLORIDE, CONGENITAL; CHLORIDORRHEA, CONGENITAL. Identifiers: Orphanet 53689, MedGen C0267662, MONDO:0008964, OMIM 214700.

Allele frequency attached by ClinVar (database versions not stated): gnomAD exomes below 0.00001.

Submissions (2):

Fulgent Genetics
Classification: Likely pathogenic for Congenital secretory diarrhea, chloride type. Last evaluated: 2024-04-02. Review status: criteria provided, single submitter. Criteria: ACMG Guidelines, 2015. Collection method: clinical testing. Allele origin: germline.

Labcorp Genetics (formerly Invitae), Labcorp
Classification: Pathogenic. Last evaluated: 2023-11-01. Review status: criteria provided, single submitter. Criteria: Invitae Variant Classification Sherloc (09022015). Collection method: clinical testing. Allele origin: germline.
Comment: This sequence change creates a premature translational stop signal (p.Asp558Glufs*18) in the SLC26A3 gene. It is expected to result in an absent or disrupted protein product. Loss-of-function variants in SLC26A3 are known to be pathogenic (PMID: 9718329, 21394828). This variant is not present in population databases (gnomAD no frequency). This variant has not been reported in the literature in individuals affected with SLC26A3-related conditions. For these reasons, this variant has been classified as Pathogenic.

Literature cited by the submitters: PubMed 9718329 (cited by Labcorp Genetics (formerly Invitae), Labcorp); PubMed 21394828 (cited by Labcorp Genetics (formerly Invitae), Labcorp).